The following is an entry in ClinVar:

NM_000316.3(PTH1R):c.449G>T (p.Arg150Leu)

Gene: PTH1R (parathyroid hormone 1 receptor; plus strand). Cytogenetic location: 3p21.31.
Variant type: single nucleotide variant.
Coding change: c.449G>T on transcript NM_000316.3 (MANE Select); coding-DNA position 449, G replaced by T.
Protein change: p.Arg150Leu; replaces arginine 150 with leucine.
Molecular consequence: missense variant.
Genome position (GRCh38, 1-based): chr3:46,898,098, G>T. VCF-style: chr3-46898098-G-T. GRCh37 (hg19) VCF-style: chr3-46939588-G-T.
Other names: c.449G>T, p.Arg150Leu (NM_001184744.1); c.449G>T (NM_000316.2); short protein forms R150L.
Identifiers: ClinVar variation 1401176 (VCV001401176.9), dbSNP rs73067029, ClinGen allele CA2359186.

ClinVar aggregate classification (germline): Uncertain significance. Review status: criteria provided, multiple submitters, no conflicts (2 of 4 stars). 3 submissions from 3 submitters: Uncertain significance (3). Last evaluated 2025-05-15.

Conditions:
Inborn genetic diseases. Identifiers: MedGen C0950123, MeSH D030342.
Metaphyseal chondrodysplasia, Jansen type. Also called: Metaphyseal chondrodysplasia Murk Jansen type; PTH1R-Related Jansen Metaphyseal Chondrodysplasia. Identifiers: Orphanet 33067, MedGen C0265295, MONDO:0007982, OMIM 156400.
Primary failure of tooth eruption. Also called: DENTAL NONERUPTION; PRIMARY RETENTION OF TEETH; UNERUPTED SECOND PRIMARY MOLAR; POSTERIOR OPENBITE MALOCCLUSION, FAMILIAL. Identifiers: Orphanet 412206, MedGen C1852222, MONDO:0007434, OMIM 125350.
Chondrodysplasia Blomstrand type (BOCD). Identifiers: Orphanet 50945, MedGen C1859148, MONDO:0008970, OMIM 215045.
Eiken syndrome (EKNS). Also called: BONE MODELING DEFECT OF HANDS AND FEET. Identifiers: Orphanet 79106, MedGen C1838779, MONDO:0010803, OMIM 600002.

gnomAD v4.1: 17 of 1,614,092 alleles (0.0011%); highest among the groups gnomAD compares: Non-Finnish European, 0.0014%; no homozygotes.

Submissions (3):

Ambry Genetics
Classification: Uncertain significance for Inborn genetic diseases. Last evaluated: 2025-05-15. Review status: criteria provided, single submitter. Criteria: Ambry Variant Classification Scheme 2023. Collection method: clinical testing. Allele origin: germline.

Labcorp Genetics (formerly Invitae), Labcorp
Classification: Uncertain significance. Last evaluated: 2025-02-04. Review status: criteria provided, single submitter. Criteria: Invitae Variant Classification Sherloc (09022015). Collection method: clinical testing. Allele origin: germline.
Comment: This sequence change replaces arginine, which is basic and polar, with leucine, which is neutral and non-polar, at codon 150 of the PTH1R protein (p.Arg150Leu). This variant is present in population databases (rs73067029, gnomAD 0.002%). This variant has not been reported in the literature in individuals affected with PTH1R-related conditions. ClinVar contains an entry for this variant (Variation ID: 1401176). Invitae Evidence Modeling of protein sequence and biophysical properties (such as structural, functional, and spatial information, amino acid conservation, physicochemical variation, residue mobility, and thermodynamic stability) indicates that this missense variant is not expected to disrupt PTH1R protein function with a negative predictive value of 80%. In summary, the available evidence is currently insufficient to determine the role of this variant in disease. Therefore, it has been classified as a Variant of Uncertain Significance.

Fulgent Genetics
Classification: Uncertain significance for Primary failure of tooth eruption; Metaphyseal chondrodysplasia, Jansen type; Chondrodysplasia Blomstrand type; Eiken syndrome. Last evaluated: 2022-04-14. Review status: criteria provided, single submitter. Criteria: ACMG Guidelines, 2015. Collection method: clinical testing. Allele origin: unknown.